The following is an entry in ClinVar:

ClinVar aggregate classification (germline): Uncertain significance. Review status: criteria provided, multiple submitters, no conflicts (2 of 4 stars). 2 submissions from 2 submitters: Uncertain significance (2). Last evaluated 2025-12-14.

Conditions:
FLI1-related disorder. Also called: FLI1-related condition.
Inborn genetic diseases. Identifiers: MedGen C0950123, MeSH D030342.

Submissions (2):

PreventionGenetics, part of Exact Sciences
Classification: Uncertain significance for FLI1-related condition. Last evaluated: 2025-12-14. Review status: criteria provided, single submitter. Criteria: ACMG Guidelines, 2015. Collection method: clinical testing. Allele origin: germline.
Comment: The FLI1 c.622A>C variant is predicted to result in the amino acid substitution p.Thr208Pro. To our knowledge, this variant has not been reported in the literature or in a large population database (gnomAD), indicating this variant is rare. At this time, the clinical significance of this variant is uncertain due to the absence of conclusive functional and genetic evidence.

Ambry Genetics
Classification: Uncertain significance for Inborn genetic diseases. Last evaluated: 2024-11-11. Review status: criteria provided, single submitter. Criteria: Ambry Variant Classification Scheme 2023. Collection method: clinical testing. Allele origin: germline.

NM_002017.5(FLI1):c.622A>C (p.Thr208Pro)

Gene: FLI1 (Fli-1 proto-oncogene, ETS transcription factor; plus strand). Cytogenetic location: 11q24.3.
Variant type: single nucleotide variant.
Coding change: c.622A>C on transcript NM_002017.5 (MANE Select); coding-DNA position 622, A replaced by C.
Protein change: p.Thr208Pro; replaces threonine 208 with proline.
Molecular consequence: missense variant.
Genome position (GRCh38, 1-based): chr11:128,781,990, A>C. VCF-style: chr11-128781990-A-C. GRCh37 (hg19) VCF-style: chr11-128651885-A-C.
Other names: c.622A>C (NM_002017.4); c.523A>C, p.Thr175Pro (NM_001167681.3); c.424A>C, p.Thr142Pro (NM_001271010.2); c.43A>C, p.Thr15Pro (NM_001271012.2); short protein forms T175P, T208P, T142P, T15P.
Identifiers: ClinVar variation 3515851 (VCV003515851.2).